The following is an entry in ClinVar:

NM_001356.5(DDX3X):c.1025+25TTTTG[5]

Gene: DDX3X (DEAD-box helicase 3 X-linked; plus strand). Cytogenetic location: Xp11.4.
Variant type: Microsatellite.
Coding change: c.1025+25TTTTG[5] on transcript NM_001356.5 (MANE Select); five copies in a row of the 5-base unit TTTTG starting at c.1025+25.
Molecular consequence: intron variant.
Genome position: GRCh38 VCF-style: chrX-41344423-T-TTTTTG. GRCh37 (hg19) VCF-style: chrX-41203676-T-TTTTTG.
Other names: c.1025+25TTTTG[5] (NM_001193416.3); c.977+25TTTTG[5] (NM_001193417.3); c.467+25TTTTG[5] (NM_001363819.1).
Identifiers: ClinVar variation 3771298 (VCV003771298.13).

ClinVar aggregate classification (germline): Likely benign (1 of 4 stars; one submission).

Submission:

CeGaT Center for Human Genetics Tuebingen
Classification: Likely benign. Last evaluated: 2025-01-01. Review status: criteria provided, single submitter. Criteria: CeGaT Center For Human Genetics Tuebingen Variant Classification Criteria Version 2. Collection method: clinical testing. Allele origin: germline. Affected: yes. Observed: 1 variant allele.
Comment: DDX3X: BS2